The following is an entry in ClinVar:

ClinVar aggregate classification (germline): Likely benign (1 of 4 stars; one submission).

Submission:

Mayo Clinic Laboratories, Mayo Clinic
Classification: Likely benign. Last evaluated: 2025-01-13. Review status: criteria provided, single submitter. Criteria: ACMG Guidelines, 2015. Collection method: clinical testing. Allele origin: germline. Observed: 1 variant allele.
Comment: BP4, BP7, PM2_supporting

NM_000639.3(FASLG):c.597T>C (p.Gly199=)

Gene: FASLG (Fas ligand; plus strand). Cytogenetic location: 1q24.3.
Variant type: single nucleotide variant.
Coding change: c.597T>C on transcript NM_000639.3 (MANE Select); coding-DNA position 597, T replaced by C.
Protein change: p.Gly199=; no amino-acid change (glycine 199 retained).
Molecular consequence: synonymous variant. On other transcripts: 3 prime UTR variant (1).
Genome position (GRCh38, 1-based): chr1:172,665,767, T>C. VCF-style: chr1-172665767-T-C. GRCh37 (hg19) VCF-style: chr1-172634907-T-C.
Other names: p.Gly199=; c.*167T>C (NM_001302746.2).
Identifiers: ClinVar variation 4683796 (VCV004683796.1).